The following is an entry in ClinVar:

ClinVar aggregate classification (germline): Benign/Likely benign. Review status: criteria provided, multiple submitters, no conflicts (2 of 4 stars). 3 submissions from 3 submitters: Benign (2); Likely benign (1). Last evaluated 2024-09-01.

Allele frequency attached by ClinVar (database versions not stated): 1000 Genomes Project 0.00200; 1000 Genomes Project 30x 0.00219; ExAC 0.00273; gnomAD exomes 0.00283 and 0.00415; ESP Exome Variant Server 0.00293; gnomAD 0.00335 and 0.00350; TOPMed 0.00389.
gnomAD v4.1: 6,527 of 1,612,520 alleles (0.4%); highest among the groups gnomAD compares: Admixed American, 0.52%; 17 homozygotes.

Submissions (3):

CeGaT Center for Human Genetics Tuebingen
Classification: Likely benign. Last evaluated: 2024-09-01. Review status: criteria provided, single submitter. Criteria: CeGaT Center For Human Genetics Tuebingen Variant Classification Criteria Version 2. Collection method: clinical testing. Allele origin: germline. Affected: yes. Observed: 1 variant allele.
Comment: CHPF2: BS2

Labcorp Genetics (formerly Invitae), Labcorp
Classification: Benign. Last evaluated: 2018-07-11. Review status: criteria provided, single submitter. Criteria: Invitae Variant Classification Sherloc (09022015). Collection method: clinical testing. Allele origin: germline.

Breakthrough Genomics
Classification: Benign. Review status: criteria provided, single submitter. Criteria: ACMG Guidelines, 2015. Collection method: not provided. Allele origin: germline. Inheritance: Unknown mechanism. Affected: yes.

NM_019015.3(CHPF2):c.1379G>A (p.Arg460Gln)

Gene: CHPF2 (chondroitin polymerizing factor 2; plus strand). Cytogenetic location: 7q36.1.
Variant type: single nucleotide variant.
Coding change: c.1379G>A on transcript NM_019015.3 (MANE Select); coding-DNA position 1379, G replaced by A.
Protein change: p.Arg460Gln; replaces arginine 460 with glutamine.
Molecular consequence: missense variant. On other transcripts: non-coding transcript variant (3).
Genome position (GRCh38, 1-based): chr7:151,237,741, G>A. VCF-style: chr7-151237741-G-A. GRCh37 (hg19) VCF-style: chr7-150934827-G-A.
Other names: c.1355G>A, p.Arg452Gln (NM_001284295.2); c.1196G>A, p.Arg399Gln (NM_001389651.1); c.1166G>A, p.Arg389Gln (NM_001389652.1); c.983G>A, p.Arg328Gln (NM_001389653.1); short protein forms R452Q, R460Q, R328Q, R389Q, R399Q.
Identifiers: ClinVar variation 773500 (VCV000773500.17), dbSNP rs144589067, ClinGen allele CA4575055.